The following is an entry in ClinVar:

ClinVar aggregate classification (germline): Uncertain significance (1 of 4 stars; one submission).

gnomAD v4.1: 1 of 1,602,494 alleles (0.000062%); highest among the groups gnomAD compares: Admixed American, 0.0017%; no homozygotes.

Submission:

Labcorp Genetics (formerly Invitae), Labcorp
Classification: Uncertain significance. Last evaluated: 2025-04-11. Review status: criteria provided, single submitter. Criteria: Invitae Variant Classification Sherloc (09022015). Collection method: clinical testing. Allele origin: germline.
Comment: This sequence change replaces histidine, which is basic and polar, with glutamine, which is neutral and polar, at codon 107 of the CYC1 protein (p.His107Gln). This variant is not present in population databases (gnomAD no frequency). This variant has not been reported in the literature in individuals affected with CYC1-related conditions. Invitae Evidence Modeling of protein sequence and biophysical properties (such as structural, functional, and spatial information, amino acid conservation, physicochemical variation, residue mobility, and thermodynamic stability) indicates that this missense variant is not expected to disrupt CYC1 protein function with a negative predictive value of 80%. In summary, the available evidence is currently insufficient to determine the role of this variant in disease. Therefore, it has been classified as a Variant of Uncertain Significance.

NM_001916.5(CYC1):c.321C>A (p.His107Gln)

Gene: CYC1 (cytochrome c1; plus strand). Cytogenetic location: 8q24.3.
Variant type: single nucleotide variant.
Coding change: c.321C>A on transcript NM_001916.5 (MANE Select); coding-DNA position 321, C replaced by A.
Protein change: p.His107Gln; replaces histidine 107 with glutamine.
Molecular consequence: missense variant.
Genome position (GRCh38, 1-based): chr8:144,096,024, C>A. VCF-style: chr8-144096024-C-A. GRCh37 (hg19) VCF-style: chr8-145150927-C-A.
Other names: short protein forms H107Q.
Identifiers: ClinVar variation 4781747 (VCV004781747.1).